The following is an entry in ClinVar:

ClinVar aggregate classification (germline): Uncertain significance (1 of 4 stars; one submission).

Conditions:
Charcot-Marie-Tooth disease axonal type 2O. Also called: CHARCOT-MARIE-TOOTH NEUROPATHY, AXONAL, TYPE 2O; CHARCOT-MARIE-TOOTH DISEASE, AXONAL, AUTOSOMAL DOMINANT, TYPE 2O; Charcot-Marie-Tooth Neuropathy Type 2O; Charcot-Marie-Tooth disease, axonal, type 20. Identifiers: Orphanet 284232, MedGen C3280220, MONDO:0013644, OMIM 614228.

Submission:

Labcorp Genetics (formerly Invitae), Labcorp
Classification: Uncertain significance for Charcot-Marie-Tooth disease axonal type 2O. Last evaluated: 2023-07-30. Review status: criteria provided, single submitter. Criteria: Invitae Variant Classification Sherloc (09022015). Collection method: clinical testing. Allele origin: germline.
Comment: In summary, the available evidence is currently insufficient to determine the role of this variant in disease. Therefore, it has been classified as a Variant of Uncertain Significance. Advanced modeling of protein sequence and biophysical properties (such as structural, functional, and spatial information, amino acid conservation, physicochemical variation, residue mobility, and thermodynamic stability) performed at Invitae indicates that this missense variant is not expected to disrupt DYNC1H1 protein function. This variant has not been reported in the literature in individuals affected with DYNC1H1-related conditions. This variant is not present in population databases (gnomAD no frequency). This sequence change replaces alanine, which is neutral and non-polar, with serine, which is neutral and polar, at codon 3142 of the DYNC1H1 protein (p.Ala3142Ser).

NM_001376.5(DYNC1H1):c.9424G>T (p.Ala3142Ser)

Genes: DYNC1H1 (dynein cytoplasmic 1 heavy chain 1; plus strand), LOC126862060 (BRD4-independent group 4 enhancer GRCh37_chr14:102493659-102494858; plus strand). Cytogenetic location: 14q32.31.
Variant type: single nucleotide variant.
Coding change: c.9424G>T on transcript NM_001376.5 (MANE Select); coding-DNA position 9424, G replaced by T.
Protein change: p.Ala3142Ser; replaces alanine 3142 with serine.
Molecular consequence: missense variant.
Genome position (GRCh38, 1-based): chr14:102,028,097, G>T. VCF-style: chr14-102028097-G-T. GRCh37 (hg19) VCF-style: chr14-102494434-G-T.
Other names: short protein forms A3142S.
Identifiers: ClinVar variation 2882713 (VCV002882713.3), dbSNP rs2503806394, ClinGen allele CA391014475.